The following is an entry in ClinVar:

ClinVar aggregate classification (germline): Uncertain significance (1 of 4 stars; one submission).

Allele frequency attached by ClinVar (database versions not stated): gnomAD exomes below 0.00001.
gnomAD v4.1: 1 of 1,612,730 alleles (0.000062%); highest among the groups gnomAD compares: Non-Finnish European, 0.000085%; no homozygotes.

Submission:

Labcorp Genetics (formerly Invitae), Labcorp
Classification: Uncertain significance. Last evaluated: 2022-10-17. Review status: criteria provided, single submitter. Criteria: Invitae Variant Classification Sherloc (09022015). Collection method: clinical testing. Allele origin: germline.
Comment: ClinVar contains an entry for this variant (Variation ID: 1359231). This variant has not been reported in the literature in individuals affected with ABCA12-related conditions. This variant is not present in population databases (gnomAD no frequency). This sequence change replaces valine, which is neutral and non-polar, with phenylalanine, which is neutral and non-polar, at codon 542 of the ABCA12 protein (p.Val542Phe). Advanced modeling of protein sequence and biophysical properties (such as structural, functional, and spatial information, amino acid conservation, physicochemical variation, residue mobility, and thermodynamic stability) performed at Invitae indicates that this missense variant is not expected to disrupt ABCA12 protein function. In summary, the available evidence is currently insufficient to determine the role of this variant in disease. Therefore, it has been classified as a Variant of Uncertain Significance.

NM_173076.3(ABCA12):c.1624G>T (p.Val542Phe)

Gene: ABCA12 (ATP binding cassette subfamily A member 12; minus strand). Cytogenetic location: 2q35.
Variant type: single nucleotide variant.
Coding change: c.1624G>T on transcript NM_173076.3 (MANE Select); coding-DNA position 1624, G replaced by T.
Protein change: p.Val542Phe; replaces valine 542 with phenylalanine.
Molecular consequence: missense variant. On other transcripts: non-coding transcript variant (1).
Genome position (GRCh38, 1-based): chr2:215,019,369, C>A on the plus strand (G>T on the coding strand, the complement: ABCA12 is on the minus strand). VCF-style: chr2-215019369-C-A. GRCh37 (hg19) VCF-style: chr2-215884093-C-A.
Other names: c.670G>T, p.Val224Phe (NM_015657.4); short protein forms V224F, V542F.
Identifiers: ClinVar variation 1359231 (VCV001359231.8), dbSNP rs2106013030, ClinGen allele CA350446994.